The following is an entry in ClinVar:

ClinVar aggregate classification (germline): Uncertain significance. Review status: criteria provided, multiple submitters, no conflicts (2 of 4 stars). 5 submissions from 4 submitters: Uncertain significance (5). Last evaluated 2025-04-19.

Conditions:
Hennekam lymphangiectasia-lymphedema syndrome 2 (HKLLS2). Identifiers: Orphanet 2136, MedGen C4014939, MONDO:0014454, OMIM 616006.
Van Maldergem syndrome 2 (VMLDS2). Identifiers: Orphanet 314679, MedGen C3809875, MONDO:0014242, OMIM 615546.
Inborn genetic diseases. Identifiers: MedGen C0950123, MeSH D030342.

Allele frequency attached by ClinVar (database versions not stated): gnomAD exomes 0.00002 and 0.00001; ExAC 0.00003; ESP Exome Variant Server 0.00038; gnomAD 0.00019; TOPMed 0.00020.
gnomAD v4.1: 45 of 1,613,782 alleles (0.0028%); highest among the groups gnomAD compares: African/African-American, 0.056%; no homozygotes.

Submissions (5):

Ambry Genetics
Classification: Uncertain significance for Inborn genetic diseases. Last evaluated: 2025-04-19. Review status: criteria provided, single submitter. Criteria: Ambry Variant Classification Scheme 2023. Collection method: clinical testing. Allele origin: germline.

Fulgent Genetics
Classification: Uncertain significance for Van Maldergem syndrome 2; Hennekam lymphangiectasia-lymphedema syndrome 2. Last evaluated: 2024-05-03. Review status: criteria provided, single submitter. Criteria: ACMG Guidelines, 2015. Collection method: clinical testing. Allele origin: germline.

Labcorp Genetics (formerly Invitae), Labcorp
Classification: Uncertain significance. Last evaluated: 2022-07-06. Review status: criteria provided, single submitter. Criteria: Invitae Variant Classification Sherloc (09022015). Collection method: clinical testing. Allele origin: germline.
Comment: This sequence change replaces threonine, which is neutral and polar, with alanine, which is neutral and non-polar, at codon 2939 of the FAT4 protein (p.Thr2939Ala). This variant is present in population databases (rs151209952, gnomAD 0.05%). This variant has not been reported in the literature in individuals affected with FAT4-related conditions. ClinVar contains an entry for this variant (Variation ID: 1426097). Advanced modeling of protein sequence and biophysical properties (such as structural, functional, and spatial information, amino acid conservation, physicochemical variation, residue mobility, and thermodynamic stability) performed at Invitae indicates that this missense variant is not expected to disrupt FAT4 protein function. In summary, the available evidence is currently insufficient to determine the role of this variant in disease. Therefore, it has been classified as a Variant of Uncertain Significance.

Baylor Genetics
Classification: Uncertain significance for Van Maldergem syndrome 2. Last evaluated: 2022-05-12. Review status: criteria provided, single submitter. Criteria: ACMG Guidelines, 2015. Collection method: clinical testing. Allele origin: unknown.

Baylor Genetics
Classification: Uncertain significance for Hennekam lymphangiectasia-lymphedema syndrome 2. Last evaluated: 2022-05-12. Review status: criteria provided, single submitter. Criteria: ACMG Guidelines, 2015. Collection method: clinical testing. Allele origin: unknown.

NM_001291303.3(FAT4):c.8821A>G (p.Thr2941Ala)

Gene: FAT4 (FAT atypical cadherin 4; plus strand). Cytogenetic location: 4q28.1.
Variant type: single nucleotide variant.
Coding change: c.8821A>G on transcript NM_001291303.3 (MANE Select); coding-DNA position 8821, A replaced by G.
Protein change: p.Thr2941Ala; replaces threonine 2941 with alanine.
Molecular consequence: missense variant.
Genome position (GRCh38, 1-based): chr4:125,449,831, A>G. VCF-style: chr4-125449831-A-G. GRCh37 (hg19) VCF-style: chr4-126370986-A-G.
Other names: c.8821A>G, p.Thr2941Ala (NM_001291285.3); c.8815A>G, p.Thr2939Ala (NM_024582.6); c.8815A>G (NM_024582.4, NM_024582.5); short protein forms T2941A, T2939A.
Identifiers: ClinVar variation 1426097 (VCV001426097.7), dbSNP rs151209952, ClinGen allele CA3073431.